The following is an entry in ClinVar:

ClinVar aggregate classification (germline): Conflicting classifications of pathogenicity. Review status: criteria provided, conflicting classifications (1 of 4 stars). 3 submissions from 3 submitters: Uncertain significance (2); Likely benign (1). Last evaluated 2025-12-05.

Conditions:
Familial thoracic aortic aneurysm and aortic dissection (TAAD). Also called: Thoracic aortic aneurysms and dissections. Identifiers: Orphanet 91387, MedGen C4707243, MONDO:0019625.
Adams-Oliver syndrome 5 (AOS5). Identifiers: Orphanet 974, MedGen C4014970, MONDO:0014459, OMIM 616028.

Allele frequency attached by ClinVar (database versions not stated): TOPMed 0.00001.
gnomAD v4.1: 13 of 1,613,124 alleles (0.00081%); highest among the groups gnomAD compares: Non-Finnish European, 0.0011%; no homozygotes.

Submissions (3):

Dasa
Classification: Uncertain significance. Last evaluated: 2025-12-05. Review status: criteria provided, single submitter. Criteria: DASA Assertion Criteria. Collection method: clinical testing. Allele origin: germline.
Comment: NM_017617.5(NOTCH1):c.6055G>A (p.Ala2019Thr) is a missense variant that results in the substitution of alanine with threonine. This variant is rare in population databases. Computational prediction algorithms are consistent with a deleterious effect. The currently available literature and clinical evidence are not sufficient to establish a definitive association between this variant and the reported condition. Therefore, this variant is classified as a variant of uncertain significance.

Labcorp Genetics (formerly Invitae), Labcorp
Classification: Likely benign for Adams-Oliver syndrome 5. Last evaluated: 2025-08-26. Review status: criteria provided, single submitter. Criteria: Invitae Variant Classification Sherloc (09022015). Collection method: clinical testing. Allele origin: germline.

Ambry Genetics
Classification: Uncertain significance for Familial thoracic aortic aneurysm and aortic dissection. Last evaluated: 2024-07-11. Review status: criteria provided, single submitter. Criteria: Ambry Variant Classification Scheme 2023. Collection method: clinical testing. Allele origin: germline.
Comment: The p.A2019T variant (also known as c.6055G>A), located in coding exon 32 of the NOTCH1 gene, results from a G to A substitution at nucleotide position 6055. The alanine at codon 2019 is replaced by threonine, an amino acid with similar properties. This amino acid position is highly conserved in available vertebrate species. In addition, this alteration is predicted to be deleterious by in silico analysis. Based on the available evidence, the clinical significance of this variant remains unclear.

NM_017617.5(NOTCH1):c.6055G>A (p.Ala2019Thr)

Genes: NOTCH1 (notch receptor 1; minus strand), LOC126860794 (BRD4-independent group 4 enhancer GRCh37_chr9:139392592-139393791; plus strand). Cytogenetic location: 9q34.3.
Variant type: single nucleotide variant.
Coding change: c.6055G>A on transcript NM_017617.5 (MANE Select); coding-DNA position 6055, G replaced by A.
Protein change: p.Ala2019Thr; replaces alanine 2019 with threonine.
Molecular consequence: missense variant.
Genome position (GRCh38, 1-based): chr9:136,499,139, C>T on the plus strand (G>A on the coding strand, the complement: NOTCH1 is on the minus strand). VCF-style: chr9-136499139-C-T. GRCh37 (hg19) VCF-style: chr9-139393591-C-T.
Other names: c.6055G>A (NM_017617.3); short protein forms A2019T.
Identifiers: ClinVar variation 1953024 (VCV001953024.8), dbSNP rs3812597, ClinGen allele CA5340055.
Genomic context (GRCh38, chr9:136,499,139, plus strand): 5'-CACGACAGAGCAGCCGTGCCCCCGTGGGCTCACCCAGGTCATCTACGGCGTTGACGTCGG[C>T]GTGTGAGTTGATGAGGTCCTCCAGCATGCCCTCCACGGCCAGGCGGGCAGCCAGGATCAG-3'
Protein context (NP_060087.3, residues 2009-2029): GMLEDLINSH[Ala2019Thr]DVNAVDDLGK